The following is an entry in ClinVar:

ClinVar aggregate classification (germline): Uncertain significance (1 of 4 stars; one submission).

Submission:

Labcorp Genetics (formerly Invitae), Labcorp
Classification: Uncertain significance. Last evaluated: 2025-12-20. Review status: criteria provided, single submitter. Criteria: Invitae Variant Classification Sherloc (09022015). Collection method: clinical testing. Allele origin: germline.
Comment: This sequence change replaces glycine, which is neutral and non-polar, with serine, which is neutral and polar, at codon 32 of the PITX3 protein (p.Gly32Ser). This variant is not present in population databases (gnomAD no frequency). This variant has not been reported in the literature in individuals affected with PITX3-related conditions. An algorithm developed to predict the effect of missense changes on protein structure and function outputs the following: PolyPhen-2: "Benign". The serine amino acid residue is found in multiple mammalian species, which suggests that this missense change does not adversely affect protein function. In summary, the available evidence is currently insufficient to determine the role of this variant in disease. Therefore, it has been classified as a Variant of Uncertain Significance.

NM_005029.4(PITX3):c.94G>A (p.Gly32Ser)

Genes: GBF1 (golgi brefeldin A resistant guanine nucleotide exchange factor 1; plus strand), PITX3 (paired like homeodomain 3; minus strand). Cytogenetic location: 10q24.32.
Variant type: single nucleotide variant.
Coding change: c.94G>A on transcript NM_005029.4 (MANE Select); coding-DNA position 94, G replaced by A.
Protein change: p.Gly32Ser; replaces glycine 32 with serine.
Molecular consequence: missense variant. On other transcripts: intron variant (2).
Genome position (GRCh38, 1-based): chr10:102,231,987, C>T on the plus strand (G>A on the coding strand, the complement: PITX3 is on the minus strand). VCF-style: chr10-102231987-C-T. GRCh37 (hg19) VCF-style: chr10-103991744-C-T.
Other names: c.-149+1071C>T (NM_001391924.1); c.-11+1071C>T (NM_001391923.1); short protein forms G32S.
Identifiers: ClinVar variation 4709764 (VCV004709764.1).